The following is an entry in ClinVar:

ClinVar aggregate classification (germline): Uncertain significance (1 of 4 stars; one submission).

Submission:

Labcorp Genetics (formerly Invitae), Labcorp
Classification: Uncertain significance. Last evaluated: 2021-08-12. Review status: criteria provided, single submitter. Criteria: Invitae Variant Classification Sherloc (09022015). Collection method: clinical testing. Allele origin: germline.
Comment: This variant is a gross deletion of the genomic region encompassing exon(s) 4-9 of the RETREG1 gene, which includes the termination codon. This deletion extends beyond the assayed region for this gene and therefore may encompass additional genes. While this deletion is not anticipated to lead to nonsense mediated decay, it is expected to alter mRNA translation or result in a truncated protein product. This variant has not been reported in the literature in individuals affected with RETREG1-related conditions. In summary, the available evidence is currently insufficient to determine the role of this variant in disease. Therefore, it has been classified as a Variant of Uncertain Significance.

NC_000005.9:g.(?_16474840)_(16483591_?)del

Gene: RETREG1 (reticulophagy regulator 1; minus strand). Cytogenetic location: 5p15.1.
Variant type: Deletion.
Identifiers: ClinVar variation 1473110 (VCV001473110.5).